The following is an entry in ClinVar:

NM_005228.5(EGFR):c.1909C>A (p.Pro637Thr)

Gene: EGFR (epidermal growth factor receptor; plus strand). Cytogenetic location: 7p11.2.
Variant type: single nucleotide variant.
Coding change: c.1909C>A on transcript NM_005228.5 (MANE Select); coding-DNA position 1909, C replaced by A.
Protein change: p.Pro637Thr; replaces proline 637 with threonine.
Molecular consequence: missense variant.
Genome position (GRCh38, 1-based): chr7:55,171,203, C>A. VCF-style: chr7-55171203-C-A. GRCh37 (hg19) VCF-style: chr7-55238896-C-A.
Other names: c.1774C>A, p.Pro592Thr (NM_001346897.2, NM_001346899.2); c.1909C>A (NM_005228.3); c.1909C>A, p.Pro637Thr (NM_001346898.2); c.1750C>A, p.Pro584Thr (NM_001346900.2); c.1108C>A, p.Pro370Thr (NM_001346941.2); short protein forms P370T, P584T, P592T, P637T.
Identifiers: ClinVar variation 1041814 (VCV001041814.9), dbSNP rs1786333546, ClinGen allele CA367582297.

ClinVar aggregate classification (germline): Uncertain significance. Review status: criteria provided, multiple submitters, no conflicts (2 of 4 stars). 2 submissions from 2 submitters: Uncertain significance (2). Last evaluated 2026-07-07.

Conditions:
EGFR-related lung cancer (EGFR). Identifiers: MedGen CN130014.
Hereditary cancer-predisposing syndrome. Also called: Tumor predisposition; Hereditary Cancer Syndrome; Hereditary neoplastic syndrome; Neoplastic Syndromes, Hereditary. Identifiers: Orphanet 140162, MedGen C0027672, MeSH D009386, MONDO:0015356.

Submissions (2):

Ambry Genetics
Classification: Uncertain significance for Hereditary cancer-predisposing syndrome. Last evaluated: 2026-07-07. Review status: criteria provided, single submitter. Criteria: Ambry Variant Classification Scheme 2023. Collection method: clinical testing. Allele origin: germline.
Comment: The p.P637T variant (also known as c.1909C>A), located in coding exon 16 of the EGFR gene, results from a C to A substitution at nucleotide position 1909. The proline at codon 637 is replaced by threonine, an amino acid with highly similar properties. This amino acid position is conserved. In addition, this alteration is predicted to be tolerated by in silico analysis. Based on the available evidence, the clinical significance of this variant remains unclear.

Labcorp Genetics (formerly Invitae), Labcorp
Classification: Uncertain significance for EGFR-related lung cancer. Last evaluated: 2020-08-24. Review status: criteria provided, single submitter. Criteria: Invitae Variant Classification Sherloc (09022015). Collection method: clinical testing. Allele origin: germline.
Comment: This sequence change replaces proline with threonine at codon 637 of the EGFR protein (p.Pro637Thr). The proline residue is weakly conserved and there is a small physicochemical difference between proline and threonine. This variant is not present in population databases (ExAC no frequency). This variant has not been reported in the literature in individuals with EGFR-related conditions. Algorithms developed to predict the effect of missense changes on protein structure and function output the following: SIFT: "Tolerated"; PolyPhen-2: "Benign"; Align-GVGD: "Class C0". The threonine amino acid residue is found in multiple mammalian species, suggesting that this missense change does not adversely affect protein function. These predictions have not been confirmed by published functional studies and their clinical significance is uncertain. In summary, the available evidence is currently insufficient to determine the role of this variant in disease. Therefore, it has been classified as a Variant of Uncertain Significance.